The following is an entry in ClinVar:

ClinVar aggregate classification (germline): Uncertain significance (1 of 4 stars; one submission).

Allele frequency attached by ClinVar (database versions not stated): TOPMed below 0.00001; gnomAD 0.00001; gnomAD exomes 0.00001.
gnomAD v4.1: 27 of 1,610,960 alleles (0.0017%); highest among the groups gnomAD compares: Admixed American, 0.0033%; no homozygotes.

Submission:

Labcorp Genetics (formerly Invitae), Labcorp
Classification: Uncertain significance. Last evaluated: 2025-05-18. Review status: criteria provided, single submitter. Criteria: Invitae Variant Classification Sherloc (09022015). Collection method: clinical testing. Allele origin: germline.
Comment: This sequence change replaces serine, which is neutral and polar, with asparagine, which is neutral and polar, at codon 247 of the ZMIZ1 protein (p.Ser247Asn). This variant is present in population databases (no rsID available, gnomAD 0.007%). This variant has not been reported in the literature in individuals affected with ZMIZ1-related conditions. ClinVar contains an entry for this variant (Variation ID: 2161367). Invitae Evidence Modeling of protein sequence and biophysical properties (such as structural, functional, and spatial information, amino acid conservation, physicochemical variation, residue mobility, and thermodynamic stability) indicates that this missense variant is not expected to disrupt ZMIZ1 protein function with a negative predictive value of 95%. In summary, the available evidence is currently insufficient to determine the role of this variant in disease. Therefore, it has been classified as a Variant of Uncertain Significance.

NM_020338.4(ZMIZ1):c.740G>A (p.Ser247Asn)

Gene: ZMIZ1 (zinc finger MIZ-type containing 1; plus strand). Cytogenetic location: 10q22.3.
Variant type: single nucleotide variant.
Coding change: c.740G>A on transcript NM_020338.4 (MANE Select); coding-DNA position 740, G replaced by A.
Protein change: p.Ser247Asn; replaces serine 247 with asparagine.
Molecular consequence: missense variant.
Genome position (GRCh38, 1-based): chr10:79,291,158, G>A. VCF-style: chr10-79291158-G-A. GRCh37 (hg19) VCF-style: chr10-81050915-G-A.
Other names: short protein forms S247N.
Identifiers: ClinVar variation 2161367 (VCV002161367.4), dbSNP rs1375006069, ClinGen allele CA377332676.